The following is an entry in ClinVar:

ClinVar aggregate classification (germline): Uncertain significance (1 of 4 stars; one submission).

Conditions:
Galactosylceramide beta-galactosidase deficiency. Also called: Krabbe Disease; Leukodystrophy, Globoid Cell; GALACTOCEREBROSIDASE DEFICIENCY; GALC DEFICIENCY; GLOBOID CELL LEUKOENCEPHALOPATHY. Identifiers: Orphanet 487, MedGen C0023521, MONDO:0009499, OMIM 245200.

gnomAD v4.1: 1 of 1,540,884 alleles (0.000065%); highest among the groups gnomAD compares: Non-Finnish European, 0.000087%; no homozygotes.

Submission:

Labcorp Genetics (formerly Invitae), Labcorp
Classification: Uncertain significance for Galactosylceramide beta-galactosidase deficiency. Last evaluated: 2024-09-23. Review status: criteria provided, single submitter. Criteria: Invitae Variant Classification Sherloc (09022015). Collection method: clinical testing. Allele origin: germline.
Comment: This sequence change replaces arginine, which is basic and polar, with arginine, which is basic and polar, at codon 53 of the GALC protein (Silent). This variant is not present in population databases (gnomAD no frequency). This variant has not been reported in the literature in individuals affected with GALC-related conditions. ClinVar contains an entry for this variant (Variation ID: 1881562). Algorithms developed to predict the effect of sequence changes on RNA splicing suggest that this variant is not likely to affect RNA splicing. In summary, the available evidence is currently insufficient to determine the role of this variant in disease. Therefore, it has been classified as a Variant of Uncertain Significance.

NM_000153.4(GALC):c.157C>A (p.Arg53=)

Genes: GALC (galactosylceramidase; minus strand), LOC130056217 (ATAC-STARR-seq lymphoblastoid silent region 5988; plus strand). Cytogenetic location: 14q31.3.
Variant type: single nucleotide variant.
Coding change: c.157C>A on transcript NM_000153.4 (MANE Select); coding-DNA position 157, C replaced by A.
Protein change: p.Arg53=; no amino-acid change (arginine 53 retained).
Molecular consequence: synonymous variant. On other transcripts: intron variant (1).
Genome position (GRCh38, 1-based): chr14:87,993,008, G>T on the plus strand (C>A on the coding strand, the complement: GALC is on the minus strand). VCF-style: chr14-87993008-G-T. GRCh37 (hg19) VCF-style: chr14-88459352-G-T.
Other names: c.157C>A, p.Arg53= (NM_001201401.2); c.117+375C>A (NM_001201402.2).
Identifiers: ClinVar variation 1881562 (VCV001881562.5), dbSNP rs752371343, ClinGen allele CA265469445.